The following is an entry in ClinVar:

NM_001039141.3(TRIOBP):c.1195C>G (p.Arg399Gly)

Gene: TRIOBP (TRIO and F-actin binding protein; plus strand). Cytogenetic location: 22q13.1.
Variant type: single nucleotide variant.
Coding change: c.1195C>G on transcript NM_001039141.3 (MANE Select); coding-DNA position 1195, C replaced by G.
Protein change: p.Arg399Gly; replaces arginine 399 with glycine.
Molecular consequence: missense variant.
Genome position (GRCh38, 1-based): chr22:37,723,751, C>G. VCF-style: chr22-37723751-C-G. GRCh37 (hg19) VCF-style: chr22-38119758-C-G.
Other names: short protein forms R399G.
Identifiers: ClinVar variation 1034393 (VCV001034393.1), dbSNP rs750078356, ClinGen allele CA10223543.

ClinVar aggregate classification (germline): Uncertain significance (1 of 4 stars; one submission).

Conditions:
Autosomal recessive nonsyndromic hearing loss 28. Identifiers: Orphanet 90636, MedGen C1853276, MONDO:0012355, OMIM 609823.

Allele frequency attached by ClinVar (database versions not stated): TOPMed below 0.00001; gnomAD 0.00003 and 0.00005.
gnomAD v4.1: 23 of 1,515,214 alleles (0.0015%); highest among the groups gnomAD compares: East Asian, 0.053%; no homozygotes.

Submission:

Baylor Genetics
Classification: Uncertain significance for Autosomal recessive nonsyndromic hearing loss 28. Last evaluated: 2018-05-08. Review status: criteria provided, single submitter. Criteria: ACMG Guidelines, 2015. Collection method: clinical testing. Allele origin: unknown. Affected: yes.
Comment: This variant was determined to be of uncertain significance according to ACMG Guidelines, 2015 [PMID:25741868].